The following is an entry in ClinVar:

NM_004722.4(AP4M1):c.58+2T>G

Gene: AP4M1 (adaptor related protein complex 4 subunit mu 1; plus strand). Cytogenetic location: 7q22.1.
Variant type: single nucleotide variant.
Coding change: c.58+2T>G on transcript NM_004722.4 (MANE Select); the canonical splice donor site of the intron after coding-DNA position 58, T replaced by G.
Molecular consequence: splice donor variant.
Genome position (GRCh38, 1-based): chr7:100,101,774, T>G. VCF-style: chr7-100101774-T-G. GRCh37 (hg19) VCF-style: chr7-99699397-T-G.
Other names: c.58+2T>G (NM_001363671.2).
Identifiers: ClinVar variation 471068 (VCV000471068.8), dbSNP rs1554377262, ClinGen allele CA368462633.
Genomic context (GRCh38, chr7:100,101,774, plus strand): 5'-CATGATTTCCCAATTCTTCATTCTGTCCTCCAAGGGGGACCCGCTCATCTACAAAGACTG[T>G]ATCCTAGACCCTTGGGGCTGGGAAGGGGCGGAGGGGCCGGGCGGGAGGGGCGCCCAGGGC-3'

ClinVar aggregate classification (germline): Likely pathogenic (1 of 4 stars; one submission).

Conditions:
Hereditary spastic paraplegia 50 (SPG50). Also called: Spastic paraplegia 50, autosomal recessive. Identifiers: Orphanet 280763, MedGen C2752008, MONDO:0013048, OMIM 612936.

Submission:

Labcorp Genetics (formerly Invitae), Labcorp
Classification: Likely pathogenic for Hereditary spastic paraplegia 50. Last evaluated: 2022-11-29. Review status: criteria provided, single submitter. Criteria: Invitae Variant Classification Sherloc (09022015). Collection method: clinical testing. Allele origin: germline.
Comment: ClinVar contains an entry for this variant (Variation ID: 471068). In summary, the currently available evidence indicates that the variant is pathogenic, but additional data are needed to prove that conclusively. Therefore, this variant has been classified as Likely Pathogenic. Algorithms developed to predict the effect of sequence changes on RNA splicing suggest that this variant may disrupt the consensus splice site. Disruption of this splice site has been observed in individual(s) with clinical features of hereditary spastic paraplegia (Invitae). This variant is not present in population databases (gnomAD no frequency). This sequence change affects a donor splice site in intron 1 of the AP4M1 gene. It is expected to disrupt RNA splicing. Variants that disrupt the donor or acceptor splice site typically lead to a loss of protein function (PMID: 16199547), and loss-of-function variants in AP4M1 are known to be pathogenic (PMID: 24700674, 25496299, 25558065).

Literature cited by the submitters: PubMed 16199547; PubMed 24700674; PubMed 25496299; PubMed 25558065.